The following is an entry in ClinVar:

NM_000135.4(FANCA):c.2601+5G>T

Gene: FANCA (FA complementation group A; minus strand). Cytogenetic location: 16q24.3.
Variant type: single nucleotide variant.
Coding change: c.2601+5G>T on transcript NM_000135.4 (MANE Select); 5 bases into the intron after coding-DNA position 2601, G replaced by T.
Molecular consequence: intron variant.
Genome position (GRCh38, 1-based): chr16:89,767,136, C>A on the plus strand (G>T on the coding strand, the complement: FANCA is on the minus strand). VCF-style: chr16-89767136-C-A. GRCh37 (hg19) VCF-style: chr16-89833544-C-A.
Other names: c.2601+5G>T (NM_001286167.3).
Identifiers: ClinVar variation 2841184 (VCV002841184.3), dbSNP rs1467038405, ClinGen allele CA2635028074.
Genomic context (GRCh38, chr16:89,767,136, plus strand): 5'-GTCCGAAAGCTGCGTAAACCTGAAACGTATGGCAGAATGGAAAAATAGGAAAAGAGTGAA[C>A]CTACCTTTTTAATAAGGCCTGGAGATAAGCAGCTGCACAAAGTATCTCGTGACTGGGAAG-3'

ClinVar aggregate classification (germline): Uncertain significance (1 of 4 stars; one submission).

Conditions:
Fanconi anemia (FA). Also called: Fanconi's anemia. Identifiers: Orphanet 84, MedGen C0015625, MeSH D005199, MONDO:0019391.

gnomAD v4.1: 3 of 1,603,716 alleles (0.00019%); highest among the groups gnomAD compares: Non-Finnish European, 0.00026%; no homozygotes.

Submission:

Labcorp Genetics (formerly Invitae), Labcorp
Classification: Uncertain significance for Fanconi anemia. Last evaluated: 2023-02-26. Review status: criteria provided, single submitter. Criteria: Invitae Variant Classification Sherloc (09022015). Collection method: clinical testing. Allele origin: germline.
Comment: This sequence change falls in intron 27 of the FANCA gene. It does not directly change the encoded amino acid sequence of the FANCA protein. It affects a nucleotide within the consensus splice site. This variant is not present in population databases (gnomAD no frequency). This variant has not been reported in the literature in individuals affected with FANCA-related conditions. Variants that disrupt the consensus splice site are a relatively common cause of aberrant splicing (PMID: 17576681, 9536098). Algorithms developed to predict the effect of sequence changes on RNA splicing suggest that this variant may disrupt the consensus splice site. In summary, the available evidence is currently insufficient to determine the role of this variant in disease. Therefore, it has been classified as a Variant of Uncertain Significance.

Literature cited by the submitters: PubMed 17576681; PubMed 9536098.